The following is an entry in ClinVar:

ClinVar aggregate classification (germline): Uncertain significance. Review status: criteria provided, multiple submitters, no conflicts (2 of 4 stars). 2 submissions from 2 submitters: Uncertain significance (2). Last evaluated 2024-06-17.

Conditions:
Inborn genetic diseases. Identifiers: MedGen C0950123, MeSH D030342.

Allele frequency attached by ClinVar (database versions not stated): gnomAD exomes below 0.00001 and 0.00002; ExAC 0.00001.
gnomAD v4.1: 30 of 1,614,244 alleles (0.0019%); highest among the groups gnomAD compares: Non-Finnish European, 0.0022%; no homozygotes.

Submissions (2):

Ambry Genetics
Classification: Uncertain significance for Inborn genetic diseases. Last evaluated: 2024-06-17. Review status: criteria provided, single submitter. Criteria: Ambry Variant Classification Scheme 2023. Collection method: clinical testing. Allele origin: germline.

Labcorp Genetics (formerly Invitae), Labcorp
Classification: Uncertain significance. Last evaluated: 2021-08-31. Review status: criteria provided, single submitter. Criteria: Invitae Variant Classification Sherloc (09022015). Collection method: clinical testing. Allele origin: germline.
Comment: This sequence change replaces aspartic acid with glycine at codon 493 of the HPS4 protein (p.Asp493Gly). The aspartic acid residue is weakly conserved and there is a moderate physicochemical difference between aspartic acid and glycine. This variant is present in population databases (rs770823084, ExAC 0.001%). This variant has not been reported in the literature in individuals affected with HPS4-related conditions. Algorithms developed to predict the effect of missense changes on protein structure and function output the following: SIFT: "Tolerated"; PolyPhen-2: "Benign"; Align-GVGD: "Class C0". The glycine amino acid residue is found in multiple mammalian species, which suggests that this missense change does not adversely affect protein function. In summary, the available evidence is currently insufficient to determine the role of this variant in disease. Therefore, it has been classified as a Variant of Uncertain Significance.

NM_022081.6(HPS4):c.1478A>G (p.Asp493Gly)

Gene: HPS4 (HPS4 biogenesis of lysosomal organelles complex 3 subunit 2; minus strand). Cytogenetic location: 22q12.1.
Variant type: single nucleotide variant.
Coding change: c.1478A>G on transcript NM_022081.6 (MANE Select); coding-DNA position 1478, A replaced by G.
Protein change: p.Asp493Gly; replaces aspartic acid 493 with glycine.
Molecular consequence: missense variant. On other transcripts: non-coding transcript variant (8).
Genome position (GRCh38, 1-based): chr22:26,464,152, T>C on the plus strand (A>G on the coding strand, the complement: HPS4 is on the minus strand). VCF-style: chr22-26464152-T-C. GRCh37 (hg19) VCF-style: chr22-26860118-T-C.
Other names: c.1478A>G, p.Asp493Gly (NM_001349896.1, NM_001349898.2, NM_001349899.2 and 4 more transcripts); c.1532A>G, p.Asp511Gly (NM_001349900.2, NM_001349901.1); c.1463A>G, p.Asp488Gly (NM_152841.2); c.1478A>G (NM_022081.4); short protein forms D493G, D511G, D488G.
Identifiers: ClinVar variation 1444581 (VCV001444581.6), dbSNP rs770823084, ClinGen allele CA10163316.